The following is an entry in ClinVar:

ClinVar aggregate classification (germline): Uncertain significance (1 of 4 stars; one submission).

Conditions:
Encephalopathy, acute, infection-induced (herpes-specific), susceptibility to, 1. Also called: Herpes simplex encephalitis, susceptibility to, 1. Identifiers: Orphanet 1930, MedGen C2750180, MONDO:0024563, OMIM 610551.

Submission:

Labcorp Genetics (formerly Invitae), Labcorp
Classification: Uncertain significance for Encephalopathy, acute, infection-induced (herpes-specific), susceptibility to, 1. Last evaluated: 2024-02-19. Review status: criteria provided, single submitter. Criteria: Invitae Variant Classification Sherloc (09022015). Collection method: clinical testing. Allele origin: germline.
Comment: This sequence change creates a premature translational stop signal (p.Phe322Serfs*3) in the TLR3 gene. It is expected to result in an absent or disrupted protein product. However, the current clinical and genetic evidence is not sufficient to establish whether loss-of-function variants in TLR3 cause disease. This variant is not present in population databases (gnomAD no frequency). This variant has not been reported in the literature in individuals affected with TLR3-related conditions. ClinVar contains an entry for this variant (Variation ID: 2135508). In summary, the available evidence is currently insufficient to determine the role of this variant in disease. Therefore, it has been classified as a Variant of Uncertain Significance.

NM_003265.3(TLR3):c.965del (p.Phe322fs)

Gene: TLR3 (toll like receptor 3; plus strand). Cytogenetic location: 4q35.1.
Variant type: Deletion.
Coding change: c.965del on transcript NM_003265.3 (MANE Select); coding-DNA position 965, one base deleted (T; older notation c.965delT).
Protein change: p.Phe322fs; shifts the reading frame from phenylalanine 322.
Molecular consequence: frameshift variant.
Genome position (GRCh38, 1-based): chr4:186,082,651, T deleted; the last of 4 consecutive T bases (chr4:186,082,648-186,082,651); deleting any one gives the same sequence. VCF-style (leftmost placement, unchanged base first): chr4-186082647-CT-C. GRCh37 (hg19) VCF-style: chr4-187003801-CT-C.
Other names: short protein forms F322fs.
Identifiers: ClinVar variation 2135508 (VCV002135508.4), dbSNP rs2099303732, ClinGen allele CA1519821663.